The following is an entry in ClinVar:

NM_000287.4(PEX6):c.1654C>T (p.Arg552Cys)

Gene: PEX6 (peroxisomal biogenesis factor 6; minus strand). Cytogenetic location: 6p21.1.
Variant type: single nucleotide variant.
Coding change: c.1654C>T on transcript NM_000287.4 (MANE Select); coding-DNA position 1654, C replaced by T.
Protein change: p.Arg552Cys; replaces arginine 552 with cysteine.
Molecular consequence: missense variant. On other transcripts: non-coding transcript variant (1).
Genome position (GRCh38, 1-based): chr6:42,968,324, G>A on the plus strand (C>T on the coding strand, the complement: PEX6 is on the minus strand). VCF-style: chr6-42968324-G-A. GRCh37 (hg19) VCF-style: chr6-42936062-G-A.
Other names: c.1390C>T, p.Arg464Cys (NM_001316313.2); c.1654C>T (NM_000287.3); short protein forms R464C, R552C.
Identifiers: ClinVar variation 1414435 (VCV001414435.6), dbSNP rs765678624, ClinGen allele CA3811270.

ClinVar aggregate classification (germline): Uncertain significance. Review status: criteria provided, multiple submitters, no conflicts (2 of 4 stars). 2 submissions from 2 submitters: Uncertain significance (2). Last evaluated 2025-04-19.

Conditions:
Inborn genetic diseases. Identifiers: MedGen C0950123, MeSH D030342.
Peroxisome biogenesis disorder. Identifiers: Orphanet 79189, MedGen C1832200, MONDO:0019234. Disease mechanism: loss of function.

Allele frequency attached by ClinVar (database versions not stated): ExAC 0.00001; gnomAD 0.00001; gnomAD exomes 0.00001 and 0.00002; TOPMed 0.00001.
gnomAD v4.1: 23 of 1,613,982 alleles (0.0014%); highest among the groups gnomAD compares: East Asian, 0.0067%; no homozygotes.

Submissions (2):

Ambry Genetics
Classification: Uncertain significance for Inborn genetic diseases. Last evaluated: 2025-04-19. Review status: criteria provided, single submitter. Criteria: Ambry Variant Classification Scheme 2023. Collection method: clinical testing. Allele origin: germline.

Labcorp Genetics (formerly Invitae), Labcorp
Classification: Uncertain significance for Peroxisome biogenesis disorder. Last evaluated: 2021-09-24. Review status: criteria provided, single submitter. Criteria: Invitae Variant Classification Sherloc (09022015). Collection method: clinical testing. Allele origin: germline.
Comment: This sequence change replaces arginine with cysteine at codon 552 of the PEX6 protein (p.Arg552Cys). The arginine residue is weakly conserved and there is a large physicochemical difference between arginine and cysteine. This variant is present in population databases (rs765678624, ExAC 0.01%). This variant has not been reported in the literature in individuals with PEX6-related conditions. Algorithms developed to predict the effect of missense changes on protein structure and function output the following: SIFT: "Tolerated"; PolyPhen-2: "Benign"; Align-GVGD: "Class C0". The cysteine amino acid residue is found in multiple mammalian species, suggesting that this missense change does not adversely affect protein function. These predictions have not been confirmed by published functional studies and their clinical significance is uncertain. In summary, the available evidence is currently insufficient to determine the role of this variant in disease. Therefore, it has been classified as a Variant of Uncertain Significance.